The following is an entry in ClinVar:

ClinVar aggregate classification (germline): Likely benign (0 of 4 stars; one submission).

Conditions:
SMARCB1-related disorder. Also called: SMARCB1-related disorders; SMARCB1-related condition.

Allele frequency attached by ClinVar (database versions not stated): gnomAD exomes 0.00001; gnomAD 0.00003; TOPMed 0.00004.
gnomAD v4.1: 22 of 1,439,760 alleles (0.0015%); highest among the groups gnomAD compares: Middle Eastern, 0.017%; no homozygotes.

Submission:

PreventionGenetics, part of Exact Sciences
Classification: Likely benign for SMARCB1-related condition. Last evaluated: 2022-11-23. Review status: no assertion criteria provided. Collection method: clinical testing. Allele origin: germline.
Comment: This variant is classified as likely benign based on ACMG/AMP sequence variant interpretation guidelines (Richards et al. 2015 PMID: 25741868, with internal and published modifications).

NM_003073.5(SMARCB1):c.*83G>A

Gene: SMARCB1 (SWI/SNF related BAF chromatin remodeling complex subunit B1; plus strand). Cytogenetic location: 22q11.23.
Variant type: single nucleotide variant.
Coding change: c.*83G>A on transcript NM_003073.5 (MANE Select); 83 bases downstream of the stop codon, G replaced by A.
Molecular consequence: 3 prime UTR variant.
Genome position (GRCh38, 1-based): chr22:23,834,263, G>A. VCF-style: chr22-23834263-G-A. GRCh37 (hg19) VCF-style: chr22-24176450-G-A.
Other names: c.*83G>A (NM_001007468.3, NM_001317946.2, NM_001362877.2).
Identifiers: ClinVar variation 3045036 (VCV003045036.2), dbSNP rs1294214714, ClinGen allele CA751826977.